The following is an entry in ClinVar:

NM_001012720.2(RGR):c.229C>T (p.Leu77Phe)

Gene: RGR (retinal G protein coupled receptor; plus strand). Cytogenetic location: 10q23.1.
Variant type: single nucleotide variant.
Coding change: c.229C>T on transcript NM_001012720.2 (MANE Select); coding-DNA position 229, C replaced by T.
Protein change: p.Leu77Phe; replaces leucine 77 with phenylalanine.
Molecular consequence: missense variant.
Genome position (GRCh38, 1-based): chr10:84,247,740, C>T. VCF-style: chr10-84247740-C-T. GRCh37 (hg19) VCF-style: chr10-86007496-C-T.
Other names: c.229C>T, p.Leu77Phe (NM_001012722.2, NM_002921.4); short protein forms L77F.
Identifiers: ClinVar variation 301317 (VCV000301317.17), dbSNP rs146536539, ClinGen allele CA5581331.

ClinVar aggregate classification (germline): Conflicting classifications of pathogenicity. Review status: criteria provided, conflicting classifications (1 of 4 stars). 6 submissions from 6 submitters: Uncertain significance (5); Likely benign (1). Last evaluated 2026-01-04.

Conditions:
Retinitis pigmentosa 44 (RP44). Identifiers: Orphanet 791, MedGen C3151068, MONDO:0013414, OMIM 613769.
Retinitis pigmentosa (RP). Identifiers: Orphanet 791, MedGen C0035334, MeSH D012174, MONDO:0019200, OMIM 268000. Inheritance: Autosomal dominant, autosomal recessive and X linked inheritance.

Allele frequency attached by ClinVar (database versions not stated): 1000 Genomes Project 30x 0.00016; 1000 Genomes Project 0.00020; ExAC 0.00024; gnomAD exomes 0.00035 and 0.00092; ESP Exome Variant Server 0.00038; gnomAD 0.00042 and 0.00044; TOPMed 0.00044.
gnomAD v4.1: 1,384 of 1,614,196 alleles (0.086%); highest among the groups gnomAD compares: Non-Finnish European, 0.11%; 1 homozygote.

Submissions (6):

Labcorp Genetics (formerly Invitae), Labcorp
Classification: Uncertain significance. Last evaluated: 2026-01-04. Review status: criteria provided, single submitter. Criteria: Invitae Variant Classification Sherloc (09022015). Collection method: clinical testing. Allele origin: germline.
Comment: This sequence change replaces leucine, which is neutral and non-polar, with phenylalanine, which is neutral and non-polar, at codon 77 of the RGR protein (p.Leu77Phe). This variant is present in population databases (rs146536539, gnomAD 0.07%), and has an allele count higher than expected for a pathogenic variant. This variant has not been reported in the literature in individuals affected with RGR-related conditions. ClinVar contains an entry for this variant (Variation ID: 301317). Experimental studies and prediction algorithms are not available or were not evaluated, and the functional significance of this variant is currently unknown. In summary, the available evidence is currently insufficient to determine the role of this variant in disease. Therefore, it has been classified as a Variant of Uncertain Significance.

Blueprint Genetics
Classification: Likely benign. Last evaluated: 2024-10-31. Review status: criteria provided, single submitter. Criteria: ACMG Guidelines, 2015. Collection method: clinical testing. Allele origin: germline.

Ambry Genetics
Classification: Uncertain significance. Last evaluated: 2024-05-22. Review status: criteria provided, single submitter. Criteria: Ambry Variant Classification Scheme 2023. Collection method: clinical testing. Allele origin: germline.

Fulgent Genetics
Classification: Uncertain significance for Retinitis pigmentosa 44. Last evaluated: 2021-09-01. Review status: criteria provided, single submitter. Criteria: ACMG Guidelines, 2015. Collection method: clinical testing. Allele origin: unknown.

Illumina Laboratory Services, Illumina
Classification: Uncertain significance for Retinitis pigmentosa. Last evaluated: 2018-01-13. Review status: criteria provided, single submitter. Criteria: ICSL Variant Classification Criteria 13 December 2019. Collection method: clinical testing. Allele origin: germline.

Breakthrough Genomics
Classification: Uncertain significance. Review status: criteria provided, single submitter. Criteria: ACMG Guidelines, 2015. Collection method: not provided. Allele origin: germline. Inheritance: Unknown mechanism. Affected: yes.